The following is an entry in ClinVar:

NM_005263.5(GFI1):c.65G>A (p.Gly22Glu)

Gene: GFI1 (growth factor independent 1 transcriptional repressor; minus strand). Cytogenetic location: 1p22.1.
Variant type: single nucleotide variant.
Coding change: c.65G>A on transcript NM_005263.5 (MANE Select); coding-DNA position 65, G replaced by A.
Protein change: p.Gly22Glu; replaces glycine 22 with glutamic acid.
Molecular consequence: missense variant.
Genome position (GRCh38, 1-based): chr1:92,483,423, C>T on the plus strand (G>A on the coding strand, the complement: GFI1 is on the minus strand). VCF-style: chr1-92483423-C-T. GRCh37 (hg19) VCF-style: chr1-92948980-C-T.
Other names: c.65G>A, p.Gly22Glu (NM_001127215.3, NM_001127216.3); short protein forms G22E.
Identifiers: ClinVar variation 2920505 (VCV002920505.3), dbSNP rs1056268413, ClinGen allele CA27090636.

ClinVar aggregate classification (germline): Uncertain significance (1 of 4 stars; one submission).

Conditions:
Neutropenia, severe congenital, 2, autosomal dominant. Identifiers: Orphanet 486, MedGen C2751288, MONDO:0013139, OMIM 613107.

Allele frequency attached by ClinVar (database versions not stated): gnomAD exomes 0.00001.
gnomAD v4.1: 11 of 1,613,656 alleles (0.00068%); highest among the groups gnomAD compares: East Asian, 0.0022%; no homozygotes.

Submission:

Labcorp Genetics (formerly Invitae), Labcorp
Classification: Uncertain significance for Neutropenia, severe congenital, 2, autosomal dominant. Last evaluated: 2023-09-22. Review status: criteria provided, single submitter. Criteria: Invitae Variant Classification Sherloc (09022015). Collection method: clinical testing. Allele origin: germline.
Comment: This sequence change replaces glycine, which is neutral and non-polar, with glutamic acid, which is acidic and polar, at codon 22 of the GFI1 protein (p.Gly22Glu). This variant is not present in population databases (gnomAD no frequency). This variant has not been reported in the literature in individuals affected with GFI1-related conditions. Advanced modeling of protein sequence and biophysical properties (such as structural, functional, and spatial information, amino acid conservation, physicochemical variation, residue mobility, and thermodynamic stability) performed at Invitae indicates that this missense variant is not expected to disrupt GFI1 protein function. In summary, the available evidence is currently insufficient to determine the role of this variant in disease. Therefore, it has been classified as a Variant of Uncertain Significance.